The following is an entry in ClinVar:

NM_001034853.2(RPGR):c.838C>G (p.Leu280Val)

Gene: RPGR (retinitis pigmentosa GTPase regulator; minus strand). Cytogenetic location: Xp11.4.
Variant type: single nucleotide variant.
Coding change: c.838C>G on transcript NM_001034853.2 (MANE Select); coding-DNA position 838, C replaced by G.
Protein change: p.Leu280Val; replaces leucine 280 with valine.
Molecular consequence: missense variant. On other transcripts: non-coding transcript variant (5).
Genome position (GRCh38, 1-based): chrX:38,304,731, G>C on the plus strand (C>G on the coding strand, the complement: RPGR is on the minus strand). VCF-style: chrX-38304731-G-C. GRCh37 (hg19) VCF-style: chrX-38163984-G-C.
Other names: c.838C>G, p.Leu280Val (NM_000328.3, NM_001367246.1, NM_001367247.1 and 1 more transcripts); c.835C>G, p.Leu279Val (NM_001367245.1, NM_001367249.1, NM_001367250.1); c.868C>G, p.Leu290Val (NM_001367248.1); short protein forms L279V, L280V, L290V.
Identifiers: ClinVar variation 3707013 (VCV003707013.2).

ClinVar aggregate classification (germline): Uncertain significance (1 of 4 stars; one submission).

Conditions:
Primary ciliary dyskinesia. Also called: Ciliary dyskinesia. Identifiers: Orphanet 244, MedGen C0008780, MONDO:0016575, HP:0012265.

Submission:

Labcorp Genetics (formerly Invitae), Labcorp
Classification: Uncertain significance for Primary ciliary dyskinesia. Last evaluated: 2024-09-11. Review status: criteria provided, single submitter. Criteria: Invitae Variant Classification Sherloc (09022015). Collection method: clinical testing. Allele origin: germline.
Comment: This sequence change replaces leucine, which is neutral and non-polar, with valine, which is neutral and non-polar, at codon 280 of the RPGR protein (p.Leu280Val). This variant is not present in population databases (gnomAD no frequency). This variant has not been reported in the literature in individuals affected with RPGR-related conditions. Invitae Evidence Modeling of protein sequence and biophysical properties (such as structural, functional, and spatial information, amino acid conservation, physicochemical variation, residue mobility, and thermodynamic stability) indicates that this missense variant is not expected to disrupt RPGR protein function with a negative predictive value of 95%. In summary, the available evidence is currently insufficient to determine the role of this variant in disease. Therefore, it has been classified as a Variant of Uncertain Significance.